The following is an entry in ClinVar:

NM_016604.4(KDM3B):c.25G>A (p.Val9Met)

Genes: KDM3B (lysine demethylase 3B; plus strand), LOC129994737 (ATAC-STARR-seq lymphoblastoid silent region 16394; plus strand). Cytogenetic location: 5q31.2.
Variant type: single nucleotide variant.
Coding change: c.25G>A on transcript NM_016604.4 (MANE Select); coding-DNA position 25, G replaced by A.
Protein change: p.Val9Met; replaces valine 9 with methionine.
Molecular consequence: missense variant.
Genome position (GRCh38, 1-based): chr5:138,352,820, G>A. VCF-style: chr5-138352820-G-A. GRCh37 (hg19) VCF-style: chr5-137688509-G-A.
Other names: c.25G>A (NM_016604.3); short protein forms V9M.
Identifiers: ClinVar variation 3339073 (VCV003339073.2).
Genomic context (GRCh38, chr5:138,352,820, plus strand): 5'-CGGCGGGCGGGAGCGCGGGTCAGGCCGGCCCCGGCGATGGCGGACGCGGCGGCCTCCCCG[G>A]TGGGCAAGCGGCTGCTGCTGCTGTTCGCGGACACTGCGGCCTCAGCCTCGGCCTCGGCTC-3'
Protein context (NP_057688.3, residues 1-19): MADAAASP[Val9Met]GKRLLLLFAD

ClinVar aggregate classification (germline): Uncertain significance. Review status: criteria provided, multiple submitters, no conflicts (2 of 4 stars). 2 submissions from 2 submitters: Uncertain significance (2). Last evaluated 2025-07-08.

Conditions:
Inborn genetic diseases. Identifiers: MedGen C0950123, MeSH D030342.

gnomAD v4.1: 1 of 1,331,320 alleles (0.000075%); no homozygotes.

Submissions (2):

Ambry Genetics
Classification: Uncertain significance for Inborn genetic diseases. Last evaluated: 2025-07-08. Review status: criteria provided, single submitter. Criteria: Ambry Variant Classification Scheme 2023. Collection method: clinical testing. Allele origin: germline.

Women's Health and Genetics/Laboratory Corporation of America, LabCorp
Classification: Uncertain significance. Last evaluated: 2024-07-08. Review status: criteria provided, single submitter. Criteria: LabCorp Variant Classification Summary - May 2015. Collection method: clinical testing. Allele origin: germline.
Comment: Variant summary: KDM3B c.25G>A (p.Val9Met) results in a conservative amino acid change located in the Domain of unknown function (DUF7030) (IPR054294) of the encoded protein sequence. Three of five in-silico tools predict a benign effect of the variant on protein function. The frequency data for this variant in gnomAD is considered unreliable, as metrics indicate poor data quality at this position. To our knowledge, no occurrence of c.25G>A in individuals affected with KDM3B-Related Disorders and no experimental evidence demonstrating its impact on protein function have been reported. No submitters have cited clinical-significance assessments for this variant to ClinVar. Based on the evidence outlined above, the variant was classified as uncertain significance.